The following is an entry in ClinVar:

NM_206933.4(USH2A):c.12607del (p.Gln4203fs)

Gene: USH2A (usherin; minus strand). Cytogenetic location: 1q41.
Variant type: Deletion.
Coding change: c.12607del on transcript NM_206933.4 (MANE Select); coding-DNA position 12607, one base deleted (C; older notation c.12607delC).
Protein change: p.Gln4203fs; shifts the reading frame from glutamine 4203.
Molecular consequence: frameshift variant.
Genome position (GRCh38, 1-based): chr1:215,675,304, G deleted on the plus strand (C on the coding strand, the reverse complement: USH2A is on the minus strand). VCF-style (leftmost placement, unchanged base first): chr1-215675303-TG-T. GRCh37 (hg19) VCF-style: chr1-215848645-TG-T.
Other names: short protein forms Q4203fs.
Identifiers: ClinVar variation 4817088 (VCV004817088.1).

ClinVar aggregate classification (germline): Likely pathogenic (1 of 4 stars; one submission).

Conditions:
Usher syndrome type 2A. Also called: RETINAL DISEASE IN USHER SYNDROME TYPE IIA, MODIFIER OF; USHER SYNDROME, TYPE IIA. Identifiers: Orphanet 231178, Orphanet 886, MedGen C1848634, MONDO:0010169, OMIM 276901.

Submission:

Natera, Inc.
Classification: Likely pathogenic for Usher syndrome type 2A. Last evaluated: 2025-12-29. Review status: criteria provided, single submitter. Criteria: Natera Variant Classification Schema (03/2026). Collection method: clinical testing. Allele origin: germline.
Comment: The c.12607del variant in USH2A is a frameshift variant predicted to shift the reading frame beginning at codon 4203 and leads to a stop codon 54 codons downstream. This variant is expected to result in nonsense mediated decay, truncation, or a dysfunctional protein product. This variant is rare in the general population with a frequency below the threshold expected for the associated phenotype(s). Given the available evidence, this variant is classified as Likely Pathogenic.